The following is an entry in ClinVar:

NM_000141.5(FGFR2):c.789G>A (p.Pro263=)

Gene: FGFR2 (fibroblast growth factor receptor 2; minus strand). Cytogenetic location: 10q26.13.
Variant type: single nucleotide variant.
Coding change: c.789G>A on transcript NM_000141.5 (MANE Select); coding-DNA position 789, G replaced by A.
Protein change: p.Pro263=; no amino-acid change (proline 263 retained).
Molecular consequence: synonymous variant. On other transcripts: non-coding transcript variant (1), intron variant (1).
Genome position (GRCh38, 1-based): chr10:121,520,129, C>T on the plus strand (G>A on the coding strand, the complement: FGFR2 is on the minus strand). VCF-style: chr10-121520129-C-T. GRCh37 (hg19) VCF-style: chr10-123279643-C-T.
Other names: c.789G>A, p.Pro263= (NM_001144913.1, NM_001144917.2, NM_001320658.2 and 1 more transcripts); c.522G>A, p.Pro174= (NM_001144915.2, NM_001144919.2, NM_023029.3); c.444G>A, p.Pro148= (NM_001144916.2, NM_001144918.2); c.105G>A, p.Pro35= (NM_001320654.2); c.749-4810G>A (NM_001144914.1).
Identifiers: ClinVar variation 706415 (VCV000706415.16), dbSNP rs138315382, ClinGen allele CA5720997.
Genomic context (GRCh38, chr10:121,520,129, plus strand): 5'-ATCACTGTAAACCTTGCAGACAAACTCTACGTCTCCTCCGACCACTGTGGAGGCATTTGC[C>T]GGCAGTCCGGCTTGGAGGATGGGCCGGTGAGGCGATCGCTCTGGTGGAGAGAGGGAAGAA-3'
Protein context (NP_000132.3, residues 253-273): PHRPILQAGL[Pro263=]ANASTVVGGD

ClinVar aggregate classification (germline): Benign/Likely benign. Review status: criteria provided, multiple submitters, no conflicts (2 of 4 stars). 4 submissions from 4 submitters: Benign (1); Likely benign (2). 1 of the submissions does not count toward it. Last evaluated 2025-09-02.

Conditions:
FGFR2-related disorder. Identifiers: MedGen CN380096.
FGFR2-related craniosynostosis. Identifiers: MedGen CN231480.

Allele frequency attached by ClinVar (database versions not stated): ESP Exome Variant Server 0.00008; 1000 Genomes Project 30x 0.00016; TOPMed 0.00017; 1000 Genomes Project 0.00020; ExAC 0.00029; gnomAD exomes 0.00038.
gnomAD v4.1: 118 of 1,613,908 alleles (0.0073%); highest among the groups gnomAD compares: Admixed American, 0.18%; no homozygotes.

Submissions (4):

Labcorp Genetics (formerly Invitae), Labcorp
Classification: Benign for FGFR2-related craniosynostosis. Last evaluated: 2025-09-02. Review status: criteria provided, single submitter. Criteria: Invitae Variant Classification Sherloc (09022015). Collection method: clinical testing. Allele origin: germline.

GeneDx
Classification: Likely benign. Last evaluated: 2021-03-16. Review status: criteria provided, single submitter. Criteria: GeneDx Variant Classification Process June 2021. Collection method: clinical testing. Allele origin: germline. Affected: yes.

Blueprint Genetics
Classification: Likely benign. Last evaluated: 2020-11-11. Review status: criteria provided, single submitter. Criteria: ACMG Guidelines, 2015. Collection method: clinical testing. Allele origin: germline.

PreventionGenetics, part of Exact Sciences
Classification: Likely benign for FGFR2-related condition. Last evaluated: 2019-06-18. Review status: no assertion criteria provided. Collection method: clinical testing. Allele origin: germline. Not counted in ClinVar's aggregate classification.
Comment: This variant is classified as likely benign based on ACMG/AMP sequence variant interpretation guidelines (Richards et al. 2015 PMID: 25741868, with internal and published modifications).